The following is an entry in ClinVar:

NM_014251.3(SLC25A13):c.1178-1G>T

Gene: SLC25A13 (solute carrier family 25 member 13; minus strand). Cytogenetic location: 7q21.3.
Variant type: single nucleotide variant.
Coding change: c.1178-1G>T on transcript NM_014251.3 (MANE Select); the canonical splice acceptor site of the intron before coding-DNA position 1178, G replaced by T.
Molecular consequence: splice acceptor variant.
Genome position (GRCh38, 1-based): chr7:96,171,525, C>A on the plus strand (G>T on the coding strand, the complement: SLC25A13 is on the minus strand). VCF-style: chr7-96171525-C-A. GRCh37 (hg19) VCF-style: chr7-95800837-C-A.
Other names: c.1181-1G>T (NM_001160210.2); c.1178-1G>T (NM_014251.2).
Identifiers: ClinVar variation 1467165 (VCV001467165.10), dbSNP rs1794001446, ClinGen allele CA368259162.
Genomic context (GRCh38, chr7:96,171,525, plus strand): 5'-GACTTACTGTAAGTTTTATGGCCTTCTCTGGGGCAACTCCCAATAACTGTGGCAACAGAC[C>A]TAAAAATCAACAAAAAGTAGAAGTATATTAAATAAATTAGCATTAACTAAACAAATCAAC-3'

ClinVar aggregate classification (germline): Likely pathogenic. Review status: criteria provided, multiple submitters, no conflicts (2 of 4 stars). 3 submissions from 3 submitters: Likely pathogenic (3). Last evaluated 2025-09-12.

Conditions:
Citrullinemia, type II, adult-onset (CDAA). Also called: CITRIN DEFICIENCY, ADOLESCENT OR ADULT ONSET. Identifiers: Orphanet 247585, MedGen CN295299, MONDO:0011326, OMIM 603471.
Citrullinemia. Identifiers: Orphanet 187, MedGen C0175683, MONDO:0015991.
Citrin deficiency. Identifiers: Orphanet 247582, MedGen C1997910, MONDO:0016602.

Allele frequency attached by ClinVar (database versions not stated): gnomAD exomes below 0.00001.
gnomAD v4.1: 1 of 1,611,626 alleles (0.000062%); highest among the groups gnomAD compares: Non-Finnish European, 0.000085%; no homozygotes.

Submissions (3):

Natera, Inc.
Classification: Likely pathogenic for Citrullinemia. Last evaluated: 2025-09-12. Review status: criteria provided, single submitter. Criteria: Natera Variant Classification Schema (03/2026). Collection method: clinical testing. Allele origin: germline.
Comment: The c.1178-1G>T variant in SLC25A13 is a canonical splice acceptor site variant predicted to affect pre-mRNA splicing, which may result in an abnormal transcript and altered protein product. This variant is expected to result in nonsense mediated decay, truncation, or a dysfunctional protein product. This variant is rare in the general population with a frequency below the threshold expected for the associated phenotype(s). Given the available evidence, this variant is classified as Likely Pathogenic.

Baylor Genetics
Classification: Likely pathogenic for Citrullinemia, type II, adult-onset. Last evaluated: 2023-09-06. Review status: criteria provided, single submitter. Criteria: ACMG Guidelines, 2015. Collection method: clinical testing. Allele origin: unknown.

Labcorp Genetics (formerly Invitae), Labcorp
Classification: Likely pathogenic for Citrin deficiency. Last evaluated: 2023-06-15. Review status: criteria provided, single submitter. Criteria: Invitae Variant Classification Sherloc (09022015). Collection method: clinical testing. Allele origin: germline.
Comment: This variant is not present in population databases (gnomAD no frequency). This sequence change affects an acceptor splice site in intron 11 of the SLC25A13 gene. It is expected to disrupt RNA splicing. Variants that disrupt the donor or acceptor splice site typically lead to a loss of protein function (PMID: 16199547), and loss-of-function variants in SLC25A13 are known to be pathogenic (PMID: 10369257, 14680984, 27405544). This variant has not been reported in the literature in individuals affected with SLC25A13-related conditions. In summary, the currently available evidence indicates that the variant is pathogenic, but additional data are needed to prove that conclusively. Therefore, this variant has been classified as Likely Pathogenic. Algorithms developed to predict the effect of sequence changes on RNA splicing suggest that this variant may disrupt the consensus splice site. ClinVar contains an entry for this variant (Variation ID: 1467165).

Literature cited by the submitters: PubMed 16199547 (cited by Labcorp Genetics (formerly Invitae), Labcorp); PubMed 10369257 (cited by Labcorp Genetics (formerly Invitae), Labcorp); PubMed 14680984 (cited by Labcorp Genetics (formerly Invitae), Labcorp); PubMed 27405544 (cited by Labcorp Genetics (formerly Invitae), Labcorp).